The following is an entry in ClinVar:

ClinVar aggregate classification (germline): Uncertain significance. Review status: criteria provided, multiple submitters, no conflicts (2 of 4 stars). 2 submissions from 2 submitters: Uncertain significance (2). Last evaluated 2026-02-01.

Conditions:
Inborn genetic diseases. Identifiers: MedGen C0950123, MeSH D030342.

Allele frequency attached by ClinVar (database versions not stated): gnomAD 0.00005.
gnomAD v4.1: 52 of 1,494,494 alleles (0.0035%); highest among the groups gnomAD compares: Non-Finnish European, 0.0044%; no homozygotes.

Submissions (2):

Labcorp Genetics (formerly Invitae), Labcorp
Classification: Uncertain significance. Last evaluated: 2026-02-01. Review status: criteria provided, single submitter. Criteria: Invitae Variant Classification Sherloc (09022015). Collection method: clinical testing. Allele origin: germline.
Comment: This sequence change replaces valine, which is neutral and non-polar, with phenylalanine, which is neutral and non-polar, at codon 462 of the ACAN protein (p.Val462Phe). The frequency data for this variant in the population databases is considered unreliable, as metrics indicate poor data quality at this position in the gnomAD database. This variant has not been reported in the literature in individuals affected with ACAN-related conditions. ClinVar contains an entry for this variant (Variation ID: 1912647). Invitae Evidence Modeling of protein sequence and biophysical properties (such as structural, functional, and spatial information, amino acid conservation, physicochemical variation, residue mobility, and thermodynamic stability) indicates that this missense variant is not expected to disrupt ACAN protein function with a negative predictive value of 80%. In summary, the available evidence is currently insufficient to determine the role of this variant in disease. Therefore, it has been classified as a Variant of Uncertain Significance.

Ambry Genetics
Classification: Uncertain significance for Inborn genetic diseases. Last evaluated: 2025-03-22. Review status: criteria provided, single submitter. Criteria: Ambry Variant Classification Scheme 2023. Collection method: clinical testing. Allele origin: germline.

NM_001369268.1(ACAN):c.1384G>T (p.Val462Phe)

Gene: ACAN (aggrecan; plus strand). Cytogenetic location: 15q26.1.
Variant type: single nucleotide variant.
Coding change: c.1384G>T on transcript NM_001369268.1 (MANE Select); coding-DNA position 1384, G replaced by T.
Protein change: p.Val462Phe; replaces valine 462 with phenylalanine.
Molecular consequence: missense variant.
Genome position (GRCh38, 1-based): chr15:88,845,837, G>T. VCF-style: chr15-88845837-G-T. GRCh37 (hg19) VCF-style: chr15-89389068-G-T.
Other names: c.1384G>T (NM_013227.3); c.1384G>T, p.Val462Phe (NM_001135.4, NM_001411096.1, NM_001411097.1 and 1 more transcripts); short protein forms V462F.
Identifiers: ClinVar variation 1912647 (VCV001912647.6), dbSNP rs200734577, ClinGen allele CA7719531.